The following is an entry in ClinVar:

ClinVar aggregate classification (germline): Uncertain significance (1 of 4 stars; one submission).

Conditions:
Gastrointestinal stromal tumor. Also called: Gastrointestinal stroma tumor; Gastrointestinal stromal tumor, somatic. Identifiers: Orphanet 44890, MedGen C0238198, MeSH D046152, MONDO:0011719, OMIM 606764, HP:0100723.

Submission:

Labcorp Genetics (formerly Invitae), Labcorp
Classification: Uncertain significance for Gastrointestinal stromal tumor. Last evaluated: 2023-01-31. Review status: criteria provided, single submitter. Criteria: Invitae Variant Classification Sherloc (09022015). Collection method: clinical testing. Allele origin: germline.
Comment: ClinVar contains an entry for this variant (Variation ID: 1439716). Algorithms developed to predict the effect of missense changes on protein structure and function (SIFT, PolyPhen-2, Align-GVGD) all suggest that this variant is likely to be tolerated. In summary, the available evidence is currently insufficient to determine the role of this variant in disease. Therefore, it has been classified as a Variant of Uncertain Significance. This variant has not been reported in the literature in individuals affected with KIT-related conditions. This sequence change replaces glutamine, which is neutral and polar, with glutamic acid, which is acidic and polar, at codon 460 of the KIT protein (p.Gln460Glu). This variant is not present in population databases (gnomAD no frequency).

NM_000222.3(KIT):c.1378C>G (p.Gln460Glu)

Gene: KIT (KIT proto-oncogene, receptor tyrosine kinase; plus strand). Cytogenetic location: 4q12.
Variant type: single nucleotide variant.
Coding change: c.1378C>G on transcript NM_000222.3 (MANE Select); coding-DNA position 1378, C replaced by G.
Protein change: p.Gln460Glu; replaces glutamine 460 with glutamic acid.
Molecular consequence: missense variant.
Genome position (GRCh38, 1-based): chr4:54,725,888, C>G. VCF-style: chr4-54725888-C-G. GRCh37 (hg19) VCF-style: chr4-55592054-C-G.
Other names: c.1378C>G, p.Gln460Glu (NM_001093772.2, NM_001385285.1, NM_001385286.1); c.1381C>G, p.Gln461Glu (NM_001385284.1, NM_001385288.1, NM_001385290.1 and 1 more transcripts); short protein forms Q461E, Q460E.
Identifiers: ClinVar variation 1439716 (VCV001439716.8), dbSNP rs2109768305, ClinGen allele CA356906271.